The following is an entry in ClinVar:

ClinVar aggregate classification (germline): Uncertain significance (1 of 4 stars; one submission).

Conditions:
Hereditary cancer-predisposing syndrome. Also called: Neoplastic Syndromes, Hereditary; Tumor predisposition; Hereditary Cancer Syndrome; Hereditary neoplastic syndrome. Identifiers: Orphanet 140162, MedGen C0027672, MeSH D009386, MONDO:0015356.

Submission:

Ambry Genetics
Classification: Uncertain significance for Hereditary cancer-predisposing syndrome. Last evaluated: 2025-10-22. Review status: criteria provided, single submitter. Criteria: Ambry Variant Classification Scheme 2023. Collection method: clinical testing. Allele origin: germline.
Comment: The p.A1138D variant (also known as c.3413C>A), located in coding exon 13 of the PALB2 gene, results from a C to A substitution at nucleotide position 3413. The alanine at codon 1138 is replaced by aspartic acid, an amino acid with dissimilar properties. This amino acid position is conserved. In addition, the in silico prediction for this alteration is inconclusive. Based on the available evidence, the clinical significance of this variant remains unclear.

NM_024675.4(PALB2):c.3413C>A (p.Ala1138Asp)

Gene: PALB2 (partner and localizer of BRCA2; minus strand). Cytogenetic location: 16p12.2.
Variant type: single nucleotide variant.
Coding change: c.3413C>A on transcript NM_024675.4 (MANE Select); coding-DNA position 3413, C replaced by A.
Protein change: p.Ala1138Asp; replaces alanine 1138 with aspartic acid.
Molecular consequence: missense variant. On other transcripts: 3 prime UTR variant (5).
Genome position (GRCh38, 1-based): chr16:23,603,607, G>T on the plus strand (C>A on the coding strand, the complement: PALB2 is on the minus strand). VCF-style: chr16-23603607-G-T. GRCh37 (hg19) VCF-style: chr16-23614928-G-T.
Other names: c.2528C>A, p.Ala843Asp (NM_001407306.1, NM_001407304.1, NM_001407305.1); c.2366C>A, p.Ala789Asp (NM_001407307.1); c.2291C>A, p.Ala764Asp (NM_001407308.1, NM_001407309.1); c.*48C>A (NM_001407310.1, NM_001407311.1, NM_001407313.1 and 2 more transcripts); c.1625C>A, p.Ala542Asp (NM_001407312.1); c.947C>A, p.Ala316Asp (NM_001407314.1); c.3353C>A, p.Ala1118Asp (NM_001407296.1); c.3341C>A, p.Ala1114Asp (NM_001407297.1); and 3 more; short protein forms A1059D, A1118D, A764D, A1114D, A316D, A542D, A1084D, A1138D.
Identifiers: ClinVar variation 4663869 (VCV004663869.1).